The following is an entry in ClinVar:

ClinVar aggregate classification (germline): Uncertain significance (1 of 4 stars; one submission).

Allele frequency attached by ClinVar (database versions not stated): gnomAD 0.00001; TOPMed 0.00001.
gnomAD v4.1: 1 of 1,614,110 alleles (0.000062%); highest among the groups gnomAD compares: African/African-American, 0.0013%; no homozygotes.

Submission:

Ambry Genetics
Classification: Uncertain significance. Last evaluated: 2023-05-14. Review status: criteria provided, single submitter. Criteria: Ambry Variant Classification Scheme 2023. Collection method: clinical testing. Allele origin: germline.
Comment: The p.V1256I variant (also known as c.3766G>A), located in coding exon 17 of the NPAT gene, results from a G to A substitution at nucleotide position 3766. The valine at codon 1256 is replaced by isoleucine, an amino acid with highly similar properties. This amino acid position is conserved. In addition, this alteration is predicted to be tolerated by in silico analysis. Since supporting evidence is limited at this time, the clinical significance of this alteration remains unclear.

NM_002519.3(NPAT):c.3766G>A (p.Val1256Ile)

Gene: NPAT (nuclear protein, coactivator of histone transcription; minus strand). Cytogenetic location: 11q22.3.
Variant type: single nucleotide variant.
Coding change: c.3766G>A on transcript NM_002519.3 (MANE Select); coding-DNA position 3766, G replaced by A.
Protein change: p.Val1256Ile; replaces valine 1256 with isoleucine.
Molecular consequence: missense variant.
Genome position (GRCh38, 1-based): chr11:108,161,320, C>T on the plus strand (G>A on the coding strand, the complement: NPAT is on the minus strand). VCF-style: chr11-108161320-C-T. GRCh37 (hg19) VCF-style: chr11-108032047-C-T.
Other names: c.3787G>A, p.Val1263Ile (NM_001321307.1); short protein forms V1263I, V1256I.
Identifiers: ClinVar variation 2567999 (VCV002567999.2), dbSNP rs2077846284, ClinGen allele CA382510091.
Genomic context (GRCh38, chr11:108,161,320, plus strand): 5'-CTGCCCCTGAGCCAGGTGTCCGGGGCACAGGTAAATCACTACTATCAGCAAGCCTACTTA[C>T]TGAGCTGTGCCTCTGTATATCCTGTAACATTTCTGTGGTAATCAAAGAACTGGCGGATTT-3'
Protein context (NP_002510.2, residues 1246-1266): MLQDIQRHSS[Val1256Ile]SRLADSSDLP